The following is an entry in ClinVar:

ClinVar aggregate classification (germline): Uncertain significance (1 of 4 stars; one submission).

Conditions:
Ullrich congenital muscular dystrophy 2 (UCMD2). Identifiers: Orphanet 75840, MedGen C4225314, MONDO:0014654, OMIM 616470.
Bethlem myopathy 2 (BTHLM2). Identifiers: Orphanet 536516, Orphanet 610, MedGen C4225313, MONDO:0034022, OMIM 616471.

Submission:

Labcorp Genetics (formerly Invitae), Labcorp
Classification: Uncertain significance for Bethlem myopathy 2; Ullrich congenital muscular dystrophy 2. Last evaluated: 2019-04-30. Review status: criteria provided, single submitter. Criteria: Invitae Variant Classification Sherloc (09022015). Collection method: clinical testing. Allele origin: germline.
Comment: This sequence change replaces proline with histidine at codon 986 of the COL12A1 protein (p.Pro986His). The proline residue is moderately conserved and there is a moderate physicochemical difference between proline and histidine. This variant is not present in population databases (ExAC no frequency). In summary, the available evidence is currently insufficient to determine the role of this variant in disease. Therefore, it has been classified as a Variant of Uncertain Significance. Algorithms developed to predict the effect of missense changes on protein structure and function are either unavailable or do not agree on the potential impact of this missense change (SIFT: "Deleterious"; PolyPhen-2: "Probably Damaging"; Align-GVGD: "Class C0"). This variant has not been reported in the literature in individuals with COL12A1-related conditions.

NM_004370.6(COL12A1):c.2957C>A (p.Pro986His)

Gene: COL12A1 (collagen type XII alpha 1 chain; minus strand). Cytogenetic location: 6q13.
Variant type: single nucleotide variant.
Coding change: c.2957C>A on transcript NM_004370.6 (MANE Select); coding-DNA position 2957, C replaced by A.
Protein change: p.Pro986His; replaces proline 986 with histidine.
Molecular consequence: missense variant. On other transcripts: intron variant (1).
Genome position (GRCh38, 1-based): chr6:75,165,533, G>T on the plus strand (C>A on the coding strand, the complement: COL12A1 is on the minus strand). VCF-style: chr6-75165533-G-T. GRCh37 (hg19) VCF-style: chr6-75875249-G-T.
Other names: c.74-13051C>A (NM_080645.3); short protein forms P986H.
Identifiers: ClinVar variation 945220 (VCV000945220.10), dbSNP rs752812483, ClinGen allele CA364757361.